The following is an entry in ClinVar:

ClinVar aggregate classification (germline): Uncertain significance (1 of 4 stars; one submission).

Conditions:
Holoprosencephaly 5 (HPE5). Identifiers: Orphanet 2162, MedGen C1864827, MONDO:0012322, OMIM 609637.

Submission:

Labcorp Genetics (formerly Invitae), Labcorp
Classification: Uncertain significance for Holoprosencephaly 5. Last evaluated: 2023-08-30. Review status: criteria provided, single submitter. Criteria: Invitae Variant Classification Sherloc (09022015). Collection method: clinical testing. Allele origin: germline.
Comment: In summary, the available evidence is currently insufficient to determine the role of this variant in disease. Therefore, it has been classified as a Variant of Uncertain Significance. ClinVar contains an entry for this variant (Variation ID: 1935209). This variant has not been reported in the literature in individuals affected with ZIC2-related conditions. The frequency data for this variant in the population databases is considered unreliable, as metrics indicate poor data quality at this position in the gnomAD database. This variant, c.1377_1391dup, results in the insertion of 5 amino acid(s) of the ZIC2 protein (p.Ala466_Ala470dup), but otherwise preserves the integrity of the reading frame.

NM_007129.5(ZIC2):c.1377_1391dup (p.Ala470_Val471insAlaAlaAlaAlaAla)

Genes: ZIC2 (Zic family zinc finger 2; plus strand), LOC110008580 (Zic family member 2 polyalanine repeat instability region; plus strand). Cytogenetic location: 13q32.3.
Variant type: Duplication.
Coding change: c.1377_1391dup on transcript NM_007129.5 (MANE Select); coding-DNA positions 1377 to 1391, 15 bases duplicated (AGCGGCGGCGGCGGC).
Protein change: p.Ala470_Val471insAlaAlaAlaAlaAla.
Molecular consequence: inframe insertion.
Genome position (GRCh38, 1-based): chr13:99,985,460-99,985,474, AGCGGCGGCGGCGGC duplicated; duplicating any 15 consecutive bases within chr13:99,985,449-99,985,474 gives the same sequence; the c. name uses the placement nearest the transcript's 3' end. VCF-style (leftmost placement, unchanged base first): chr13-99985448-A-AGCGGCGGCGGCAGCG. GRCh37 (hg19) VCF-style: chr13-100637702-A-AGCGGCGGCGGCAGCG.
Identifiers: ClinVar variation 1935209 (VCV001935209.5), dbSNP rs752851904, ClinGen allele CA612358325.